The following is an entry in ClinVar:

ClinVar aggregate classification (germline): Conflicting classifications of pathogenicity. Review status: criteria provided, conflicting classifications (1 of 4 stars). 3 submissions from 3 submitters: Uncertain significance (1); Benign (1). 1 of the submissions does not count toward it. Last evaluated 2025-12-16.

Conditions:
Charlevoix-Saguenay spastic ataxia (SACS). Also called: AUTOSOMAL RECESSIVE SPASTIC ATAXIA OF CHARLEVOIX-SAGUENAY; SPASTIC ATAXIA 6, AUTOSOMAL RECESSIVE; Spastic ataxia of Charlevoix-Saguenay. Identifiers: Orphanet 98, MedGen C1849140, MONDO:0010041, OMIM 270550.
Spastic paraplegia. Identifiers: MedGen C0037772, HP:0001258.

Allele frequency attached by ClinVar (database versions not stated): ExAC 0.00002; TOPMed 0.00003; gnomAD exomes 0.00006.
gnomAD v4.1: 16 of 1,613,806 alleles (0.00099%); highest among the groups gnomAD compares: Admixed American, 0.025%; no homozygotes.

Submissions (3):

Labcorp Genetics (formerly Invitae), Labcorp
Classification: Benign for Spastic paraplegia. Last evaluated: 2025-12-16. Review status: criteria provided, single submitter. Criteria: Invitae Variant Classification Sherloc (09022015). Collection method: clinical testing. Allele origin: germline.

GeneDx
Classification: Uncertain significance. Last evaluated: 2022-02-01. Review status: criteria provided, single submitter. Criteria: GeneDx Variant Classification Process June 2021. Collection method: clinical testing. Allele origin: germline. Affected: yes.
Comment: In silico analysis supports that this missense variant does not alter protein structure/function; Has not been previously published as pathogenic or benign to our knowledge

Natera, Inc.
Classification: Uncertain significance for Charlevoix-Saguenay type spastic ataxia. Last evaluated: 2019-11-11. Review status: no assertion criteria provided. Collection method: clinical testing. Allele origin: germline. Not counted in ClinVar's aggregate classification.

NM_014363.6(SACS):c.13106A>G (p.Asp4369Gly)

Gene: SACS (sacsin molecular chaperone; minus strand). Cytogenetic location: 13q12.12.
Variant type: single nucleotide variant.
Coding change: c.13106A>G on transcript NM_014363.6 (MANE Select); coding-DNA position 13106, A replaced by G.
Protein change: p.Asp4369Gly; replaces aspartic acid 4369 with glycine.
Molecular consequence: missense variant.
Genome position (GRCh38, 1-based): chr13:23,330,770, T>C on the plus strand (A>G on the coding strand, the complement: SACS is on the minus strand). VCF-style: chr13-23330770-T-C. GRCh37 (hg19) VCF-style: chr13-23904909-T-C.
Other names: c.12665A>G, p.Asp4222Gly (NM_001278055.2); c.13106A>G (NM_014363.4); short protein forms D4369G, D4222G.
Identifiers: ClinVar variation 568055 (VCV000568055.10), dbSNP rs770895110, ClinGen allele CA6910022.